The following is an entry in ClinVar:

ClinVar aggregate classification (germline): Uncertain significance (1 of 4 stars; one submission).

Allele frequency attached by ClinVar (database versions not stated): gnomAD 0.00001.
gnomAD v4.1: 13 of 1,613,998 alleles (0.00081%); highest among the groups gnomAD compares: Admixed American, 0.005%; no homozygotes.

Submission:

Labcorp Genetics (formerly Invitae), Labcorp
Classification: Uncertain significance. Last evaluated: 2021-11-11. Review status: criteria provided, single submitter. Criteria: Invitae Variant Classification Sherloc (09022015). Collection method: clinical testing. Allele origin: germline.
Comment: This sequence change replaces alanine, which is neutral and non-polar, with valine, which is neutral and non-polar, at codon 426 of the PTPN23 protein (p.Ala426Val). This variant is present in population databases (rs200611661, gnomAD 0.002%). This variant has not been reported in the literature in individuals affected with PTPN23-related conditions. Algorithms developed to predict the effect of missense changes on protein structure and function are either unavailable or do not agree on the potential impact of this missense change (SIFT: "Deleterious"; PolyPhen-2: "Not Available"; Align-GVGD: "Class C55"). In summary, the available evidence is currently insufficient to determine the role of this variant in disease. Therefore, it has been classified as a Variant of Uncertain Significance.

NM_015466.4(PTPN23):c.1277C>T (p.Ala426Val)

Gene: PTPN23 (protein tyrosine phosphatase non-receptor type 23; plus strand). Cytogenetic location: 3p21.31.
Variant type: single nucleotide variant.
Coding change: c.1277C>T on transcript NM_015466.4 (MANE Select); coding-DNA position 1277, C replaced by T.
Protein change: p.Ala426Val; replaces alanine 426 with valine.
Molecular consequence: missense variant.
Genome position (GRCh38, 1-based): chr3:47,408,437, C>T. VCF-style: chr3-47408437-C-T. GRCh37 (hg19) VCF-style: chr3-47449927-C-T.
Other names: c.899C>T, p.Ala300Val (NM_001304482.2); short protein forms A300V, A426V.
Identifiers: ClinVar variation 1503119 (VCV001503119.3), dbSNP rs200611661, ClinGen allele CA2365692.